The following is an entry in ClinVar:

NM_000548.5(TSC2):c.3132-1G>T

Gene: TSC2 (TSC complex subunit 2; plus strand). Cytogenetic location: 16p13.3.
Variant type: single nucleotide variant.
Coding change: c.3132-1G>T on transcript NM_000548.5 (MANE Select); the canonical splice acceptor site of the intron before coding-DNA position 3132, G replaced by T.
Molecular consequence: splice acceptor variant.
Genome position (GRCh38, 1-based): chr16:2,079,275, G>T. VCF-style: chr16-2079275-G-T. GRCh37 (hg19) VCF-style: chr16-2129276-G-T.
Other names: c.2532-1G>T (NM_001406683.1, NM_001406682.1, NM_001406680.1); c.2400-1G>T (NM_001406687.1, NM_001318831.2, NM_001406688.1); c.1788-1G>T (NM_001406689.1); c.1659-1G>T (NM_001406690.1, NM_001406692.1, NM_001406694.1 and 1 more transcripts); c.1656-1G>T (NM_001406691.1, NM_001406697.1, NM_001406695.1 and 1 more transcripts); c.1398-1G>T (NM_001406698.1); c.3132-1G>T (NM_001114382.3); c.3129-1G>T (NM_001406663.1, NM_001406664.1); and 18 more.
Identifiers: ClinVar variation 406021 (VCV000406021.9), dbSNP rs45443096, ClinGen allele CA16614971.

ClinVar aggregate classification (germline): Pathogenic (1 of 4 stars; one submission).

Conditions:
Tuberous sclerosis 2 (TSC2). Identifiers: Orphanet 805, MedGen C1860707, MONDO:0013199, OMIM 613254.

Submission:

Labcorp Genetics (formerly Invitae), Labcorp
Classification: Pathogenic for Tuberous sclerosis 2. Last evaluated: 2017-03-31. Review status: criteria provided, single submitter. Criteria: Invitae Variant Classification Sherloc (09022015). Collection method: clinical testing. Allele origin: germline.
Comment: For these reasons, this variant has been classified as Pathogenic. This sequence change affects an acceptor splice site in intron 27 of the TSC2 gene. It is expected to disrupt RNA splicing and likely results in an absent or disrupted protein product. A different variant affecting this nucleotide (c.3132-1G>C) has been determined to be pathogenic (PMID: 15798777, 21520333). This suggests that this nucleotide is important for normal RNA splicing, and that other variants at this position may also be pathogenic. Loss-of-function variants in TSC2 are known to be pathogenic.

Literature cited by the submitters: PubMed 15798777; PubMed 21520333.